The following is an entry in ClinVar:

NM_152564.5(VPS13B):c.1492T>C (p.Leu498=)

Gene: VPS13B (vacuolar protein sorting 13 homolog B; plus strand). Cytogenetic location: 8q22.2.
Variant type: single nucleotide variant.
Coding change: c.1492T>C on transcript NM_152564.5 (MANE Select); coding-DNA position 1492, T replaced by C.
Protein change: p.Leu498=; no amino-acid change (leucine 498 retained).
Molecular consequence: synonymous variant.
Genome position (GRCh38, 1-based): chr8:99,135,662, T>C. VCF-style: chr8-99135662-T-C. GRCh37 (hg19) VCF-style: chr8-100147890-T-C.
Other names: c.1492T>C, p.Leu498= (NM_015243.3, NM_017890.5).
Identifiers: ClinVar variation 2855751 (VCV002855751.6), dbSNP rs752775103, ClinGen allele CA4822641.

ClinVar aggregate classification (germline): Likely benign. Review status: criteria provided, multiple submitters, no conflicts (2 of 4 stars). 3 submissions from 3 submitters: Likely benign (2). 1 of the submissions does not count toward it. Last evaluated 2024-01-30.

Conditions:
Cohen syndrome (COH1). Also called: PEPPER SYNDROME; Cutis verticis gyrata, retinitis pigmentosa, and sensorineural deafness. Identifiers: Orphanet 193, MedGen C0265223, MONDO:0008999, OMIM 216550.
VPS13B-related disorder. Also called: VPS13B-related condition.

Allele frequency attached by ClinVar (database versions not stated): TOPMed below 0.00001; ExAC 0.00002; gnomAD exomes 0.00004.
gnomAD v4.1: 54 of 1,613,520 alleles (0.0033%); highest among the groups gnomAD compares: Non-Finnish European, 0.0046%; no homozygotes.

Submissions (3):

Blueprint Genetics
Classification: Likely benign. Last evaluated: 2024-01-30. Review status: criteria provided, single submitter. Criteria: ACMG Guidelines, 2015. Collection method: clinical testing. Allele origin: germline.

Labcorp Genetics (formerly Invitae), Labcorp
Classification: Likely benign for Cohen syndrome. Last evaluated: 2023-10-06. Review status: criteria provided, single submitter. Criteria: Invitae Variant Classification Sherloc (09022015). Collection method: clinical testing. Allele origin: germline.

PreventionGenetics, part of Exact Sciences
Classification: Likely benign for VPS13B-related condition. Last evaluated: 2021-10-27. Review status: no assertion criteria provided. Collection method: clinical testing. Allele origin: germline. Not counted in ClinVar's aggregate classification.
Comment: This variant is classified as likely benign based on ACMG/AMP sequence variant interpretation guidelines (Richards et al. 2015 PMID: 25741868, with internal and published modifications).